The following is an entry in ClinVar:

ClinVar aggregate classification (germline): Pathogenic/Likely pathogenic. Review status: criteria provided, multiple submitters, no conflicts (2 of 4 stars). 14 submissions from 14 submitters: Pathogenic (9); Likely pathogenic (2). 3 of the submissions do not count toward it. Last evaluated 2025-12-24.

Conditions:
BCKDHB-related disorder. Also called: BCKDHB-related condition.
Maple syrup urine disease type 1A (MSUD1A). Also called: MSUD type 1A. Identifiers: MedGen C1855369, MONDO:0023691, OMIM 248600.
Maple syrup urine disease type 1B (MSUD1B). Also called: MSUD type IB; MSUD type 3 (formerly); MSUD due to deficiency of e1-beta subunit of branched-chain alpha-keto acid dehydrogenase complex. Identifiers: MedGen C2930990, MONDO:0023692, OMIM 620698.
Maple syrup urine disease (MSUD). Identifiers: Orphanet 511, MedGen C0024776, MeSH D008375, MONDO:0009563. Disease mechanism: loss of function.

Allele frequency attached by ClinVar (database versions not stated): gnomAD 0.00001; TOPMed 0.00004; gnomAD exomes 0.00006; ExAC 0.00007.
gnomAD v4.1: 42 of 1,613,042 alleles (0.0026%); highest among the groups gnomAD compares: Admixed American, 0.01%; no homozygotes.

Submissions (14):

Labcorp Genetics (formerly Invitae), Labcorp
Classification: Pathogenic for Maple syrup urine disease. Last evaluated: 2025-12-24. Review status: criteria provided, single submitter. Criteria: Invitae Variant Classification Sherloc (09022015). Collection method: clinical testing. Allele origin: germline.
Comment: This sequence change creates a premature translational stop signal (p.Arg324*) in the BCKDHB gene. It is expected to result in an absent or disrupted protein product. Loss-of-function variants in BCKDHB are known to be pathogenic (PMID: 16786533, 22593002). This variant is present in population databases (rs398124603, gnomAD 0.02%). This premature translational stop signal has been observed in individual(s) with maple syrup urine disease (PMID: 20307994, 22593002, 24772966, 26232051). This variant is also known as p.Arg274*. ClinVar contains an entry for this variant (Variation ID: 96621). For these reasons, this variant has been classified as Pathogenic.

Natera, Inc.
Classification: Pathogenic for Maple syrup urine disease type 1B. Last evaluated: 2025-08-08. Review status: criteria provided, single submitter. Criteria: Natera Variant Classification Schema (03/2026). Collection method: clinical testing. Allele origin: germline.
Comment: The c.970C>T variant in BCKDHB is a nonsense variant predicted to introduce a stop codon at amino acid 324. This variant is expected to result in nonsense mediated decay, truncation, or a dysfunctional protein product. This variant is rare in the general population with a frequency below the threshold expected for the associated phenotype(s). This variant has been observed in one or more individuals affected with the associated recessive disease, as either homozygous or compound heterozygous with a second variant (PMID: 20307994). Given the available evidence, this variant is classified as Pathogenic.

Blueprint Genetics
Classification: Pathogenic for BCKDHB-related disorders. Last evaluated: 2024-11-20. Review status: criteria provided, single submitter. Criteria: ACMG Guidelines, 2015. Collection method: clinical testing. Allele origin: germline. Affected: yes. Observed: 5 variant alleles.

3billion
Classification: Pathogenic for Maple syrup urine disease type 1A. Last evaluated: 2024-02-23. Review status: criteria provided, single submitter. Criteria: ACMG Guidelines, 2015. Collection method: clinical testing. Allele origin: germline. Affected: yes.
Comment: The variant is observed at an extremely low frequency in the gnomAD v2.1.1 dataset (total allele frequency: 0.006%). Predicted Consequence/Location: Stop-gained (nonsense): predicted to result in a loss or disruption of normal protein function through nonsense-mediated decay (NMD) or protein truncation. Multiple pathogenic variants are reported downstream of the variant. The variant has been reported at least twice as pathogenic with clinical assertions and evidence for the classification (ClinVar ID: VCV000096621 /PMID: 9375800 /3billion dataset). Therefore, this variant is classified as Pathogenic according to the recommendation of ACMG/AMP guideline.

Fulgent Genetics
Classification: Pathogenic for Maple syrup urine disease type 1B. Last evaluated: 2024-01-30. Review status: criteria provided, single submitter. Criteria: ACMG Guidelines, 2015. Collection method: clinical testing. Allele origin: germline.

Revvity Omics, Revvity
Classification: Pathogenic for Maple syrup urine disease type 1A. Last evaluated: 2024-01-18. Review status: criteria provided, single submitter. Criteria: ACMG Guidelines, 2015. Collection method: clinical testing. Allele origin: germline.

Genome-Nilou Lab
Classification: Likely pathogenic for Maple syrup urine disease type 1A. Last evaluated: 2021-11-07. Review status: criteria provided, single submitter. Criteria: ACMG Guidelines, 2015. Collection method: clinical testing. Allele origin: germline. Affected: no.

Baylor Genetics
Classification: Pathogenic for Maple syrup urine disease type 1A. Last evaluated: 2019-05-07. Review status: criteria provided, single submitter. Criteria: ACMG Guidelines, 2015. Collection method: clinical testing. Allele origin: maternal. Affected: yes.
Comment: This variant was determined to be pathogenic according to ACMG Guidelines, 2015 [PMID:25741868]. This variant has been previously reported as disease-causing [PMID 9375800, 26232051, 25525159]

Women's Health and Genetics/Laboratory Corporation of America, LabCorp
Classification: Pathogenic for Maple syrup urine disease type 1B. Last evaluated: 2018-09-28. Review status: criteria provided, single submitter. Criteria: LabCorp Variant Classification Summary - May 2015. Collection method: clinical testing. Allele origin: germline.
Comment: Variant summary: BCKDHB c.970C>T (p.Arg324X) results in a premature termination codon, predicted to cause a truncation of the encoded protein or absence of the protein due to nonsense mediated decay, which are commonly known mechanisms for disease. The variant allele was found at a frequency of 6.1e-05 in 245644 control chromosomes (gnomAD). This frequency is not higher than expected for a pathogenic variant in BCKDHB causing Maple Syrup Urine Disease Type 1B (6.1e-05 vs 0.0015), allowing no conclusion about variant significance. c.970C>T has been reported in the literature in multiple individuals affected with Maple Syrup Urine Disease Type 1B (Bashyam_2012, Couce_2015, McConnell_1997, Narayanan_2013, Puckett_2010). These data indicate that the variant is very likely to be associated with disease. At least one publication reports experimental evidence evaluating an impact on protein function. The most pronounced variant effect results in <10% of normal activity (McConnell_1997). Three ClinVar submissions from clinical diagnostic laboratories (evaluation after 2014) cites the variant as likely pathogenic/pathogenic. Based on the evidence outlined above, the variant was classified as pathogenic.

Eurofins Ntd Llc (ga)
Classification: Pathogenic. Last evaluated: 2017-04-12. Review status: criteria provided, single submitter. Criteria: EGL Classification Definitions. Collection method: clinical testing. Allele origin: germline. Observed: 9 variant alleles, 8 heterozygotes, 1 homozygote.

Illumina Laboratory Services, Illumina
Classification: Likely pathogenic for Maple syrup urine disease type 1A. Last evaluated: 2016-08-27. Review status: criteria provided, single submitter. Criteria: ICSL Variant Classification Criteria 09 May 2019. Collection method: clinical testing. Allele origin: germline.
Comment: The BCKDHB c.970C>T (p.Arg324Ter) stop-gained variant is reported in five studies in a total of six individuals with maple syrup urine disease, including one who was homozygous for the variant and five, including a sibling pair, who were compound heterozygous (McConnell et al. 1997; Puckett et al. 2010; Bashyam et al. 2012; Narayanan et al. 2013; Couce et al. 2015). The p.Arg324Ter variant was absent from 100 controls and is reported at a frequency of 0.00044 in the Latino population of the Exome Aggregation Consortium. Functional studies in patient lymphoblasts carrying the p.Arg324Ter variant demonstrate that variant BCKD enzyme activity is <1% of that of the control enzyme activity. Western blotting experiments showed that the variant resulted in a truncated protein which was not detected in the mitochondria suggesting that the missing amino acids may be necessary for tetramer formation (McConnell et al. 1997; Nellis et al. 2003). Based on the evidence and the potential impact of stop-gained variants, the p.Arg324Ter variant is classified as pathogenic for maple syrup urine disease. This variant was observed by ICSL as part of a predisposition screen in an ostensibly healthy population.

Counsyl
Classification: Likely pathogenic for Maple syrup urine disease. Last evaluated: 2014-09-23. Review status: no assertion criteria provided. Collection method: literature only. Allele origin: unknown. Inheritance: Autosomal recessive inheritance. Not counted in ClinVar's aggregate classification.

Clinical Genetics, Academic Medical Center
Classification: Pathogenic. Review status: no assertion criteria provided. Collection method: clinical testing. Allele origin: germline. Affected: yes. Study: VKGL Data-share Consensus. Not counted in ClinVar's aggregate classification.

Diagnostic Laboratory, Department of Genetics, University Medical Center Groningen
Classification: Pathogenic. Review status: no assertion criteria provided. Collection method: clinical testing. Allele origin: germline. Affected: yes. Study: VKGL Data-share Consensus. Not counted in ClinVar's aggregate classification.

Literature cited by the submitters: PubMed 16786533 (cited by Labcorp Genetics (formerly Invitae), Labcorp); PubMed 22593002 (cited by 4 submitters); PubMed 20307994 (cited by 5 submitters); PubMed 24772966 (cited by 4 submitters); PubMed 26232051 (cited by 4 submitters); PubMed 9375800 (cited by 5 submitters); PubMed 25525159 (cited by Baylor Genetics); PubMed 14567968 (cited by Illumina Laboratory Services, Illumina).

NM_183050.4(BCKDHB):c.970C>T (p.Arg324Ter)

Gene: BCKDHB (branched chain keto acid dehydrogenase E1 subunit beta; plus strand). Cytogenetic location: 6q14.1.
Variant type: single nucleotide variant.
Coding change: c.970C>T on transcript NM_183050.4 (MANE Select); coding-DNA position 970, C replaced by T.
Protein change: p.Arg324Ter; replaces arginine 324 with a stop codon.
Molecular consequence: nonsense. On other transcripts: non-coding transcript variant (1).
Genome position (GRCh38, 1-based): chr6:80,273,153, C>T. VCF-style: chr6-80273153-C-T. GRCh37 (hg19) VCF-style: chr6-80982870-C-T.
Other names: c.970C>T (NM_183050.3); c.970C>T, p.Arg324Ter (NM_000056.5); c.760C>T, p.Arg254Ter (NM_001318975.1); short protein forms R324*, R254*.
Identifiers: ClinVar variation 96621 (VCV000096621.31), dbSNP rs398124603, ClinGen allele CA224362.